The following is an entry in ClinVar:

ClinVar aggregate classification (germline): Likely benign (1 of 4 stars; one submission).

Submission:

CeGaT Center for Human Genetics Tuebingen
Classification: Likely benign. Last evaluated: 2025-10-01. Review status: criteria provided, single submitter. Criteria: CeGaT Center For Human Genetics Tuebingen Variant Classification Criteria Version 2. Collection method: clinical testing. Allele origin: germline. Affected: yes. Observed: 1 variant allele.
Comment: SPATA31A3: BP4, BP7

NM_001083124.1(SPATA31A3):c.3771A>G (p.Glu1257=)

Gene: SPATA31A3 (SPATA31 subfamily A member 3; minus strand). Cytogenetic location: 9q21.11.
Variant type: single nucleotide variant.
Coding change: c.3771A>G on transcript NM_001083124.1 (MANE Select); coding-DNA position 3771, A replaced by G.
Protein change: p.Glu1257=; no amino-acid change (glutamic acid 1257 retained).
Molecular consequence: synonymous variant.
Genome position (GRCh38, 1-based): chr9:66,986,727, T>C on the plus strand (A>G on the coding strand, the complement: SPATA31A3 is on the minus strand). VCF-style: chr9-66986727-T-C. GRCh37 (hg19) VCF-style: chr9-40706114-A-G.
Identifiers: ClinVar variation 4533699 (VCV004533699.6).